The following is an entry in ClinVar:

ClinVar aggregate classification (germline): Uncertain significance (1 of 4 stars; one submission).

Conditions:
Myopathy, proximal, and ophthalmoplegia (CMYO6). Also called: INCLUSION BODY MYOPATHY 3, AUTOSOMAL DOMINANT; CONGENITAL MYOPATHY 6 WITH OPHTHALMOPLEGIA; MYOPATHY WITH CONGENITAL JOINT CONTRACTURES, OPHTHALMOPLEGIA, AND RIMMED VACUOLES. Identifiers: Orphanet 363677, Orphanet 79091, MedGen C1854106, MONDO:0011577, OMIM 605637.

gnomAD v4.1: 1 of 1,614,224 alleles (0.000062%); highest among the groups gnomAD compares: Admixed American, 0.0017%; no homozygotes.

Submission:

Labcorp Genetics (formerly Invitae), Labcorp
Classification: Uncertain significance for Myopathy, proximal, and ophthalmoplegia. Last evaluated: 2024-09-12. Review status: criteria provided, single submitter. Criteria: Invitae Variant Classification Sherloc (09022015). Collection method: clinical testing. Allele origin: germline.
Comment: This sequence change replaces glutamic acid, which is acidic and polar, with valine, which is neutral and non-polar, at codon 1129 of the MYH2 protein (p.Glu1129Val). This variant is not present in population databases (gnomAD no frequency). This variant has not been reported in the literature in individuals affected with MYH2-related conditions. Invitae Evidence Modeling of protein sequence and biophysical properties (such as structural, functional, and spatial information, amino acid conservation, physicochemical variation, residue mobility, and thermodynamic stability) indicates that this missense variant is not expected to disrupt MYH2 protein function with a negative predictive value of 80%. In summary, the available evidence is currently insufficient to determine the role of this variant in disease. Therefore, it has been classified as a Variant of Uncertain Significance.

NM_017534.6(MYH2):c.3386A>T (p.Glu1129Val)

Genes: MYH2 (myosin heavy chain 2; minus strand), MYHAS (myosin heavy chain gene cluster antisense RNA; plus strand). Cytogenetic location: 17p13.1.
Variant type: single nucleotide variant.
Coding change: c.3386A>T on transcript NM_017534.6 (MANE Select); coding-DNA position 3386, A replaced by T.
Protein change: p.Glu1129Val; replaces glutamic acid 1129 with valine.
Molecular consequence: missense variant.
Genome position (GRCh38, 1-based): chr17:10,529,048, T>A on the plus strand (A>T on the coding strand, the complement: MYH2 is on the minus strand). VCF-style: chr17-10529048-T-A. GRCh37 (hg19) VCF-style: chr17-10432365-T-A.
Other names: c.3386A>T, p.Glu1129Val (NM_001100112.2); short protein forms E1129V.
Identifiers: ClinVar variation 3611288 (VCV003611288.2).